The following is an entry in ClinVar:

ClinVar aggregate classification (germline): Conflicting classifications of pathogenicity. Review status: criteria provided, conflicting classifications (1 of 4 stars). 8 submissions from 8 submitters: Likely pathogenic (4); Uncertain significance (3). 1 of the submissions does not count toward it. Last evaluated 2025-09-24.

Conditions:
Walker-Warburg congenital muscular dystrophy. Also called: Muscular dystrophy-dystroglycanopathy, type A; Walker-Warburg syndrome. Identifiers: Orphanet 899, MedGen C0265221, MONDO:0000171.
Myopathy caused by variation in FKTN. Identifiers: MedGen CN305638, MONDO:0700067.
Muscular dystrophy-dystroglycanopathy (congenital with brain and eye anomalies), type A, 4 (MDDGA4). Also called: Congenital muscular dystrophy-dystroglycanopathy with brain and eye anomalies, type A4; Walker-Warburg Syndrome, Fktn-Related; Muscular dystrophy, congenital progressive, with mental retardation; Muscular dystrophy, congenital, with central nervous system involvement; Cerebromuscular dystrophy, Fukuyama type; Fukuyama congenital muscular dystrophy. Identifiers: Orphanet 272, Orphanet 588, Orphanet 899, MedGen C0410174, MONDO:0009678, OMIM 253800.
Dilated cardiomyopathy 1X (CMD1X). Also called: FKTN-Related Dilated Cardiomyopathy; CARDIOMYOPATHY, DILATED, WITH MILD OR NO PROXIMAL MUSCLE WEAKNESS. Identifiers: Orphanet 154, MedGen C1969024, MONDO:0012704, OMIM 611615.
Muscular dystrophy-dystroglycanopathy (congenital without impaired intellectual development), type B, 4. Also called: Muscular dystrophy-dystroglycanopathy (congenital without intellectual disability), type B4; MUSCULAR DYSTROPHY, CONGENITAL, FKTN-RELATED. Identifiers: MedGen C2751052, MONDO:0013156, OMIM 613152.
Autosomal recessive limb-girdle muscular dystrophy type 2M. Also called: MUSCULAR DYSTROPHY, LIMB-GIRDLE, TYPE 2M; MUSCULAR DYSTROPHY-DYSTROGLYCANOPATHY (LIMB-GIRDLE), TYPE C, 4. Identifiers: Orphanet 206554, MedGen C1969040, MONDO:0012699, OMIM 611588.

Submissions (8):

Natera, Inc.
Classification: Likely pathogenic for Walker-Warburg congenital muscular dystrophy. Last evaluated: 2025-09-24. Review status: criteria provided, single submitter. Criteria: Natera Variant Classification Schema (03/2026). Collection method: clinical testing. Allele origin: germline.
Comment: The c.1215_1226delAGACATGAAGGT variant in FKTN is an in-frame deletion. This variant is rare in the general population with a frequency below the threshold expected for the associated phenotype(s). This variant has been observed in one or more individuals affected with the associated recessive disease, as either homozygous or compound heterozygous with a second variant (PMID: 20961758). This variant results in a change to the protein length while preserving reading frame, which may disrupt normal protein structure or function. Computational prediction algorithms indicate this variant is likely to affect gene or protein function. Given the available evidence, this variant is classified as Likely Pathogenic.

Myriad Genetics, Inc.
Classification: Uncertain significance for Myopathy caused by variation in FKTN. Last evaluated: 2025-07-25. Review status: criteria provided, single submitter. Criteria: Myriad Autosomal Dominant, Autosomal Recessive and X-Linked Classification Criteria (2023). Collection method: clinical testing. Allele origin: unknown.
Comment: NM_001079802.1(FKTN):c.1215_1226del12(D406_V409del) is an in-frame deletion classified as a variant of uncertain significance in the context of FKTN-related disorders. D406_V409del has been observed in cases with relevant disease (PMID: 20961758, 34008892). Relevant functional assessments of this variant are not available in the literature. D406_V409del has been observed in referenced population frequency databases. In summary, there is insufficient evidence to classify NM_001079802.1(FKTN):c.1215_1226del12(D406_V409del) as pathogenic or benign. Please note: this variant was assessed in the context of healthy population screening.

Fulgent Genetics
Classification: Likely pathogenic for Muscular dystrophy-dystroglycanopathy (congenital with brain and eye anomalies), type A, 4; Autosomal recessive limb-girdle muscular dystrophy type 2M; Dilated cardiomyopathy 1X; Muscular dystrophy-dystroglycanopathy (congenital without impaired intellectual development), type B, 4. Last evaluated: 2024-02-07. Review status: criteria provided, single submitter. Criteria: ACMG Guidelines, 2015. Collection method: clinical testing. Allele origin: germline.

Baylor Genetics
Classification: Likely pathogenic for Dilated cardiomyopathy 1X. Last evaluated: 2023-07-11. Review status: criteria provided, single submitter. Criteria: ACMG Guidelines, 2015. Collection method: clinical testing. Allele origin: unknown.

Laboratory of Medical Genetics, National & Kapodistrian University of Athens
Classification: Likely pathogenic for Muscular dystrophy-dystroglycanopathy (congenital with brain and eye anomalies), type A, 4. Last evaluated: 2021-10-01. Review status: criteria provided, single submitter. Criteria: ACMG Guidelines, 2015. Collection method: clinical testing. Allele origin: paternal. Affected: yes.
Comment: PM2, PM4, PP4, PP5

Labcorp Genetics (formerly Invitae), Labcorp
Classification: Uncertain significance for Walker-Warburg congenital muscular dystrophy. Last evaluated: 2021-08-13. Review status: criteria provided, single submitter. Criteria: Invitae Variant Classification Sherloc (09022015). Collection method: clinical testing. Allele origin: germline.
Comment: This variant, c.1215_1226del, results in the deletion of 4 amino acid(s) of the FKTN protein (p.Asp406_Val409del), but otherwise preserves the integrity of the reading frame. This variant is not present in population databases (ExAC no frequency). This variant has been observed in individual(s) with clinical features of Walker-Warburg syndrome (PMID: 20961758). ClinVar contains an entry for this variant (Variation ID: 431957). Experimental studies and prediction algorithms are not available or were not evaluated, and the functional significance of this variant is currently unknown. In summary, the available evidence is currently insufficient to determine the role of this variant in disease. Therefore, it has been classified as a Variant of Uncertain Significance.

GeneDx
Classification: Uncertain significance. Last evaluated: 2017-06-23. Review status: criteria provided, single submitter. Criteria: GeneDx Variant Classification (06012015). Collection method: clinical testing. Allele origin: germline. Affected: yes.
Comment: A variant of uncertain significance has been identified in the FKTN gene. Parental testing revealed that the c.1215_1226del12 variant in the FKTN gene was maternally inherited, and the R47X variant in the FKTN gene reportedly occurred de novo in this infant (Yis et al., 2011); although parental identity testing and/or additional studies to confirm whether the two FKTN variants were on the same or opposite alleles were not reported. The c.1215_1226del12 variant is not observed in large population cohorts (Lek et al., 2016; 1000 Genomes Consortium et al., 2015; Exome Variant Server). The c.1215_1226del12 variant results in the in-frame deletion of four amino acids, from aspartic acid (D) 406 to valine (V) 409, denoted p.Asp406_Val409del. However, no other in-frame deletions have been reported in HGMD in association with FKTN-related disorders (Stenson et al., 2014). Furthermore, in the absence of functional expression studies, the physiological consequence of this variant cannot be precisely determined.

Counsyl
Classification: Uncertain significance for Muscular dystrophy-dystroglycanopathy (congenital with brain and eye anomalies), type A, 4. Last evaluated: 2017-01-06. Review status: no assertion criteria provided. Collection method: clinical testing. Allele origin: unknown. Not counted in ClinVar's aggregate classification.

Literature cited by the submitters: PubMed 20961758 (cited by 4 submitters); PubMed 34008892 (cited by Myriad Genetics, Inc. and Laboratory of Medical Genetics, National & Kapodistrian University of Athens).

NM_001079802.2(FKTN):c.1215_1226del (p.Asp406_Val409del)

Gene: FKTN (fukutin; plus strand). Cytogenetic location: 9q31.2.
Variant type: Deletion.
Coding change: c.1215_1226del on transcript NM_001079802.2 (MANE Select); coding-DNA positions 1215 to 1226, 12 bases deleted (AGACATGAAGGT).
Protein change: p.Asp406_Val409del.
Molecular consequence: inframe deletion. On other transcripts: 3 prime UTR variant (1), non-coding transcript variant (2).
Genome position (GRCh38, 1-based): chr9:105,635,093-105,635,104, AGACATGAAGGT deleted; deleting any 12 consecutive bases within chr9:105,635,091-105,635,104 gives the same sequence; the c. name uses the placement nearest the transcript's 3' end. VCF-style (leftmost placement, unchanged base first): chr9-105635090-TGTAGACATGAAG-T. GRCh37 (hg19) VCF-style: chr9-108397371-TGTAGACATGAAG-T.
Other names: c.1215_1226delAGACATGAAGGT (NM_001079802.1); c.1215_1226del, p.Asp406_Val409del (NM_001198963.2, NM_001351496.2, NM_006731.2); c.1146_1157del, p.Asp383_Val386del (NM_001351497.2); c.*7_*18del (NM_001351498.2); c.819_830del, p.Asp274_Val277del (NM_001351499.2, NM_001351500.2, NM_001351501.2 and 1 more transcripts); c.1215_1226del12 (NM_001079802.1).
Identifiers: ClinVar variation 431957 (VCV000431957.19), dbSNP rs1554766855, ClinGen allele CA590046776.